The following is an entry in ClinVar:

NM_002067.5(GNA11):c.230A>G (p.Lys77Arg)

Gene: GNA11 (G protein subunit alpha 11; plus strand). Cytogenetic location: 19p13.3.
Variant type: single nucleotide variant.
Coding change: c.230A>G on transcript NM_002067.5 (MANE Select); coding-DNA position 230, A replaced by G.
Protein change: p.Lys77Arg; replaces lysine 77 with arginine.
Molecular consequence: missense variant.
Genome position (GRCh38, 1-based): chr19:3,110,242, A>G. VCF-style: chr19-3110242-A-G. GRCh37 (hg19) VCF-style: chr19-3110240-A-G.
Other names: short protein forms K77R.
Identifiers: ClinVar variation 933491 (VCV000933491.9), dbSNP rs1671522857, ClinGen allele CA403305634.

ClinVar aggregate classification (germline): Uncertain significance. Review status: criteria provided, multiple submitters, no conflicts (2 of 4 stars). 2 submissions from 2 submitters: Uncertain significance (2). Last evaluated 2024-10-08.

Allele frequency attached by ClinVar (database versions not stated): gnomAD exomes below 0.00001.
gnomAD v4.1: 3 of 1,613,990 alleles (0.00019%); highest among the groups gnomAD compares: Middle Eastern, 0.033%; no homozygotes.

Submissions (2):

Blueprint Genetics
Classification: Uncertain significance. Last evaluated: 2024-10-08. Review status: criteria provided, single submitter. Criteria: ACMG Guidelines, 2015. Collection method: clinical testing. Allele origin: germline.

Labcorp Genetics (formerly Invitae), Labcorp
Classification: Uncertain significance. Last evaluated: 2022-08-30. Review status: criteria provided, single submitter. Criteria: Invitae Variant Classification Sherloc (09022015). Collection method: clinical testing. Allele origin: germline.
Comment: In summary, the available evidence is currently insufficient to determine the role of this variant in disease. Therefore, it has been classified as a Variant of Uncertain Significance. Algorithms developed to predict the effect of sequence changes on RNA splicing suggest that this variant may create or strengthen a splice site. Algorithms developed to predict the effect of missense changes on protein structure and function output the following: SIFT: "Tolerated"; PolyPhen-2: "Benign"; Align-GVGD: "Class C0". The arginine amino acid residue is found in multiple mammalian species, which suggests that this missense change does not adversely affect protein function. ClinVar contains an entry for this variant (Variation ID: 933491). This variant has not been reported in the literature in individuals affected with GNA11-related conditions. This variant is not present in population databases (gnomAD no frequency). This sequence change replaces lysine, which is basic and polar, with arginine, which is basic and polar, at codon 77 of the GNA11 protein (p.Lys77Arg).